The following is an entry in ClinVar:

NM_002474.3(MYH11):c.5224GAG[2] (p.Glu1744del)

Genes: MYH11 (myosin heavy chain 11; minus strand), NDE1 (nudE neurodevelopment protein 1; plus strand). Cytogenetic location: 16p13.11.
Variant type: Microsatellite.
Coding change: c.5224GAG[2] on transcript NM_002474.3 (MANE Select); two copies in a row of the 3-base unit GAG starting at c.5224; the reference has three copies in a row; one copy, 3 bases deleted.
Protein change: p.Glu1744del; deletes glutamic acid 1744.
Molecular consequence: inframe deletion. On other transcripts: intron variant (2).
Genome position (GRCh38, 1-based): chr16:15,718,378-15,718,380, CTC deleted on the plus strand (GAG on the coding strand, the reverse complement: MYH11 is on the minus strand); deleting any 3 consecutive bases within chr16:15,718,378-15,718,387 gives the same sequence; the position shown is the placement nearest the transcript's 3' end. VCF-style (leftmost placement, unchanged base first): chr16-15718377-GCTC-G. GRCh37 (hg19) VCF-style: chr16-15812234-GCTC-G.
Other names: c.5245GAG[2], p.Glu1751del (NM_001040113.2, NM_001040114.2); c.5224GAG[2], p.Glu1744del (NM_022844.3); c.948-5813CTC[2] (NM_001143979.2, NM_017668.3); c.5251_5253del (NM_001040113.2); short protein forms E1744del, E1751del.
Identifiers: ClinVar variation 926678 (VCV000926678.11), dbSNP rs1224659472, ClinGen allele CA621063979.
Genomic context (GRCh38, chr16:15,718,377, plus strand): 5'-GCTGTGTGGCTTTGCGGACCCGGTCGCTCATGGCCTCCATGTTGCCCTGCTCCTCCTCCA[GCTC>G]CTCCTCCAGCTGGGCGATCCGGGCCTCCAGGCGGCGCTTCTCGTCCTGGAGTGCGTTCCT-3'

ClinVar aggregate classification (germline): Uncertain significance. Review status: criteria provided, multiple submitters, no conflicts (2 of 4 stars). 4 submissions from 4 submitters: Uncertain significance (4). Last evaluated 2026-06-01.

Conditions:
Aortic aneurysm, familial thoracic 4 (AAT4). Also called: AORTIC ANEURYSM/AORTIC DISSECTION AND PATENT DUCTUS ARTERIOSUS. Identifiers: MedGen C1851504, MONDO:0007568, OMIM 132900.
Familial thoracic aortic aneurysm and aortic dissection (TAAD). Also called: Thoracic aortic aneurysms and dissections. Identifiers: Orphanet 91387, MedGen C4707243, MONDO:0019625.

Submissions (4):

CeGaT Center for Human Genetics Tuebingen
Classification: Uncertain significance. Last evaluated: 2026-06-01. Review status: criteria provided, single submitter. Criteria: CeGaT Center For Human Genetics Tuebingen Variant Classification Criteria Version 2. Collection method: clinical testing. Allele origin: germline. Affected: yes. Observed: 1 variant allele.
Comment: MYH11: PM2, PM4:Supporting

Color Diagnostics, LLC DBA Color Health
Classification: Uncertain significance for Familial thoracic aortic aneurysm and aortic dissection. Last evaluated: 2024-07-16. Review status: criteria provided, single submitter. Criteria: ACMG Guidelines, 2015. Collection method: clinical testing. Allele origin: germline.
Comment: This variant causes an in-frame deletion of one amino acid of the MYH11 protein. To our knowledge, functional studies have not been reported for this variant. This variant has not been reported in individuals affected with MYH11-related disorders in the literature. This variant has been identified in 1/31368 chromosomes in the general population by the Genome Aggregation Database (gnomAD). The available evidence is insufficient to determine the role of this variant in disease conclusively. Therefore, this variant is classified as a Variant of Uncertain Significance.

All of Us Research Program, National Institutes of Health
Classification: Uncertain significance for Familial thoracic aortic aneurysm and aortic dissection. Last evaluated: 2023-06-27. Review status: criteria provided, single submitter. Criteria: ACMG Guidelines, 2015. Collection method: clinical testing. Allele origin: germline. Inheritance: Autosomal dominant inheritance. Observed: 1 variant allele, 1 heterozygote.
Comment: Variant of Uncertain Significance due to insufficient evidence: This variant causes a deletion of a single amino acid in the coiled coil myosin tail domain of the MYH11 protein. To our knowledge, functional assays have not been performed for this variant. Computational splicing tools suggest that this variant may not impact RNA splicing. This variant not has been reported in individuals affected with cardiovascular disorders in the literature. This variant has been identified in 1/30924 chromosomes in the general population by the Genome Aggregation Database (gnomAD). Available evidence is insufficient to determine the pathogenicity of this variant conclusively.

This study involves interpretation of variants in research participants for the purpose of population health screening. Participant phenotype was not available at the time of variant classification. Additional details can be found in publication PMID: 35346344, PMCID: PMC8962531

Labcorp Genetics (formerly Invitae), Labcorp
Classification: Uncertain significance for Aortic aneurysm, familial thoracic 4. Last evaluated: 2021-09-01. Review status: criteria provided, single submitter. Criteria: Invitae Variant Classification Sherloc (09022015). Collection method: clinical testing. Allele origin: germline.
Comment: This variant, c.5251_5253del, results in the deletion of 1 amino acid(s) of the MYH11 protein (p.Glu1751del), but otherwise preserves the integrity of the reading frame. This variant is not present in population databases (ExAC no frequency). This variant has not been reported in the literature in individuals affected with MYH11-related conditions. ClinVar contains an entry for this variant (Variation ID: 926678). Experimental studies and prediction algorithms are not available or were not evaluated, and the functional significance of this variant is currently unknown. In summary, the available evidence is currently insufficient to determine the role of this variant in disease. Therefore, it has been classified as a Variant of Uncertain Significance.